The following is an entry in ClinVar:

ClinVar aggregate classification (germline): Conflicting classifications of pathogenicity. Review status: criteria provided, conflicting classifications (1 of 4 stars). 2 submissions from 2 submitters: Uncertain significance (1); Likely benign (1). Last evaluated 2025-08-02.

Conditions:
RYR1-related disorder. Also called: RYR1-related condition; RYR1-related disorders. Identifiers: MedGen CN239331.
Malignant hyperthermia, susceptibility to, 1 (MHS1). Also called: Anesthesia related hyperthermia; Malignant hyperpyrexia; Fulminating hyperpyrexia; Pharmacogenic myopathy; RYR1-Related Malignant Hyperthermia Susceptibility; Malignant hyperthermia suceptibility 1. Identifiers: Orphanet 423, MedGen C2930980, MONDO:0007783, OMIM 145600.

Submissions (2):

Labcorp Genetics (formerly Invitae), Labcorp
Classification: Likely benign for RYR1-related disorder. Last evaluated: 2025-08-02. Review status: criteria provided, single submitter. Criteria: Invitae Variant Classification Sherloc (09022015). Collection method: clinical testing. Allele origin: germline.

All of Us Research Program, National Institutes of Health
Classification: Uncertain significance for Malignant hyperthermia, susceptibility to, 1. Last evaluated: 2023-11-02. Review status: criteria provided, single submitter. Criteria: ACMG Guidelines, 2015. Collection method: clinical testing. Allele origin: germline. Inheritance: Autosomal dominant inheritance. Observed: 1 variant allele, 1 heterozygote.
Comment: This variant causes a C to A nucleotide substitution at the -4 position of intron 49 of the RYR1 gene. To our knowledge, functional studies have not been reported for this variant. This variant has not been reported in individuals affected with RYR1-related disorders in the literature. This variant has not been identified in the general population by the Genome Aggregation Database (gnomAD). The available evidence is insufficient to determine the role of this variant in disease conclusively. Therefore, this variant is classified as a Variant of Uncertain Significance.

This study involves interpretation of variants in research participants for the purpose of population health screening. Participant phenotype was not available at the time of variant classification. Additional details can be found in publication PMID: 35346344, PMCID: PMC8962531

NM_000540.3(RYR1):c.7927-4C>A

Gene: RYR1 (ryanodine receptor 1; plus strand). Cytogenetic location: 19q13.2.
Variant type: single nucleotide variant.
Coding change: c.7927-4C>A on transcript NM_000540.3 (MANE Select); 4 bases into the intron before coding-DNA position 7927, C replaced by A.
Molecular consequence: intron variant.
Genome position (GRCh38, 1-based): chr19:38,504,216, C>A. VCF-style: chr19-38504216-C-A. GRCh37 (hg19) VCF-style: chr19-38994856-C-A.
Other names: c.7927-4C>A (NM_001042723.2).
Identifiers: ClinVar variation 2987552 (VCV002987552.4), dbSNP rs2514351002, ClinGen allele CA2740096897.